The following is an entry in ClinVar:

NM_000143.4(FH):c.1302_1303del (p.Val435fs)

Gene: FH (fumarate hydratase; minus strand). Cytogenetic location: 1q43.
Variant type: Deletion.
Coding change: c.1302_1303del on transcript NM_000143.4 (MANE Select); coding-DNA positions 1302 to 1303, 2 bases deleted (CG; older notation c.1302_1303delCG).
Protein change: p.Val435fs; shifts the reading frame from valine 435.
Molecular consequence: frameshift variant.
Genome position (GRCh38, 1-based): chr1:241,500,524-241,500,525, CG deleted on the plus strand (CG on the coding strand, the reverse complement: FH is on the minus strand); deleting any 2 consecutive bases within chr1:241,500,524-241,500,526 gives the same sequence; the c. name uses the placement nearest the transcript's 3' end. VCF-style (leftmost placement, unchanged base first): chr1-241500523-ACG-A. GRCh37 (hg19) VCF-style: chr1-241663823-ACG-A.
Other names: short protein forms V435fs.
Identifiers: ClinVar variation 2697032 (VCV002697032.3), dbSNP rs2527313001, ClinGen allele CA2697547755.
Genomic context (GRCh38, chr1:241,500,523, plus strand): 5'-AACATTAGAGACTCATTCATCAGCTTGTTGATCCTTTCTGTATTGGCCTGGATTCCCACC[ACG>A]CAGTTTTCTGTAAAGGAAACTGAAGCATCCCCCAGCAGCCTGGCTGAGTGTAACACATTT-3'

ClinVar aggregate classification (germline): Pathogenic (1 of 4 stars; one submission).

Submission:

Labcorp Genetics (formerly Invitae), Labcorp
Classification: Pathogenic. Last evaluated: 2023-11-18. Review status: criteria provided, single submitter. Criteria: Invitae Variant Classification Sherloc (09022015). Collection method: clinical testing. Allele origin: germline.
Comment: This sequence change creates a premature translational stop signal (p.Val435Glyfs*16) in the FH gene. While this is not anticipated to result in nonsense mediated decay, it is expected to disrupt the last 76 amino acid(s) of the FH protein. This variant is not present in population databases (gnomAD no frequency). This variant has not been reported in the literature in individuals affected with FH-related conditions. This variant disrupts a region of the FH protein in which other variant(s) (p.Leu507Pro) have been determined to be pathogenic (PMID: 12761039; Invitae). This suggests that this is a clinically significant region of the protein, and that variants that disrupt it are likely to be disease-causing. For these reasons, this variant has been classified as Pathogenic.

Literature cited by the submitters: PubMed 12761039.